The following is an entry in ClinVar:

NM_014766.5(SCRN1):c.*639G>A

Gene: SCRN1 (secernin 1; minus strand). Cytogenetic location: 7p14.3.
Variant type: single nucleotide variant.
Coding change: c.*639G>A on transcript NM_014766.5 (MANE Select); 639 bases downstream of the stop codon, G replaced by A.
Molecular consequence: 3 prime UTR variant.
Genome position (GRCh38, 1-based): chr7:29,923,318, C>T on the plus strand (G>A on the coding strand, the complement: SCRN1 is on the minus strand). VCF-style: chr7-29923318-C-T. GRCh37 (hg19) VCF-style: chr7-29962934-C-T.
Other names: c.*639G>A (NM_001145513.1, NM_001145514.1, NM_001145515.2).
Identifiers: ClinVar variation 1257931 (VCV001257931.2), dbSNP rs6976789, ClinGen allele CA12603412.

ClinVar aggregate classification (germline): Benign (1 of 4 stars; one submission).

Allele frequency attached by ClinVar (database versions not stated): 1000 Genomes Project 0.29832; 1000 Genomes Project 30x 0.30403; TOPMed 0.34012; gnomAD 0.34584 and 0.35067; gnomAD exomes 0.39831.
gnomAD v4.1: 52,644 of 152,164 alleles (35%); highest among the groups gnomAD compares: African/African-American, 41%; 9,353 homozygotes.

Submission:

GeneDx
Classification: Benign. Last evaluated: 2020-07-15. Review status: criteria provided, single submitter. Criteria: GeneDx Variant Classification Process June 2021. Collection method: clinical testing. Allele origin: germline. Affected: yes.
Comment: This variant is associated with the following publications: (PMID: 25399950)